The following is an entry in ClinVar:

ClinVar aggregate classification (germline): Uncertain significance (1 of 4 stars; one submission).

gnomAD v4.1: 3 of 1,614,096 alleles (0.00019%); highest among the groups gnomAD compares: Non-Finnish European, 0.00025%; no homozygotes.

Submission:

Labcorp Genetics (formerly Invitae), Labcorp
Classification: Uncertain significance. Last evaluated: 2024-04-18. Review status: criteria provided, single submitter. Criteria: Invitae Variant Classification Sherloc (09022015). Collection method: clinical testing. Allele origin: germline.
Comment: This sequence change replaces leucine, which is neutral and non-polar, with valine, which is neutral and non-polar, at codon 614 of the KIDINS220 protein (p.Leu614Val). This variant is present in population databases (rs779453088, gnomAD 0.0009%). This variant has not been reported in the literature in individuals affected with KIDINS220-related conditions. An algorithm developed to predict the effect of missense changes on protein structure and function (PolyPhen-2) suggests that this variant is likely to be tolerated. In summary, the available evidence is currently insufficient to determine the role of this variant in disease. Therefore, it has been classified as a Variant of Uncertain Significance.

NM_020738.4(KIDINS220):c.1840C>G (p.Leu614Val)

Gene: KIDINS220 (kinase D interacting substrate 220; minus strand). Cytogenetic location: 2p25.1.
Variant type: single nucleotide variant.
Coding change: c.1840C>G on transcript NM_020738.4 (MANE Select); coding-DNA position 1840, C replaced by G.
Protein change: p.Leu614Val; replaces leucine 614 with valine.
Molecular consequence: missense variant. On other transcripts: non-coding transcript variant (2).
Genome position (GRCh38, 1-based): chr2:8,786,305, G>C on the plus strand (C>G on the coding strand, the complement: KIDINS220 is on the minus strand). VCF-style: chr2-8786305-G-C. GRCh37 (hg19) VCF-style: chr2-8926435-G-C.
Other names: c.1840C>G, p.Leu614Val (NM_001348743.2, NM_001348732.2, NM_001348735.2 and 3 more transcripts); c.1843C>G, p.Leu615Val (NM_001348745.2, NM_001348729.2, NM_001348731.2 and 3 more transcripts); c.1714C>G, p.Leu572Val (NM_001348736.2); short protein forms L572V, L614V, L615V.
Identifiers: ClinVar variation 3669457 (VCV003669457.2).